The following is an entry in ClinVar:

ClinVar aggregate classification (germline): Uncertain significance. Review status: criteria provided, multiple submitters, no conflicts (2 of 4 stars). 2 submissions from 2 submitters: Uncertain significance (2). Last evaluated 2025-08-20.

Conditions:
Inborn genetic diseases. Identifiers: MedGen C0950123, MeSH D030342.

Allele frequency attached by ClinVar (database versions not stated): 1000 Genomes Project 30x 0.00016.
gnomAD v4.1: 8 of 1,613,380 alleles (0.0005%); highest among the groups gnomAD compares: East Asian, 0.0067%; no homozygotes.

Submissions (2):

Ambry Genetics
Classification: Uncertain significance for Inborn genetic diseases. Last evaluated: 2025-08-20. Review status: criteria provided, single submitter. Criteria: Ambry Variant Classification Scheme 2023. Collection method: clinical testing. Allele origin: germline.

Labcorp Genetics (formerly Invitae), Labcorp
Classification: Uncertain significance. Last evaluated: 2023-07-25. Review status: criteria provided, single submitter. Criteria: Invitae Variant Classification Sherloc (09022015). Collection method: clinical testing. Allele origin: germline.
Comment: In summary, the available evidence is currently insufficient to determine the role of this variant in disease. Therefore, it has been classified as a Variant of Uncertain Significance. An algorithm developed to predict the effect of missense changes on protein structure and function (PolyPhen-2) suggests that this variant is likely to be tolerated. This variant has not been reported in the literature in individuals affected with RHBDF2-related conditions. This variant is present in population databases (rs780237997, gnomAD 0.006%). This sequence change replaces arginine, which is basic and polar, with glycine, which is neutral and non-polar, at codon 97 of the RHBDF2 protein (p.Arg97Gly).

NM_001005498.4(RHBDF2):c.202C>G (p.Arg68Gly)

Gene: RHBDF2 (rhomboid 5 homolog 2; minus strand). Cytogenetic location: 17q25.1.
Variant type: single nucleotide variant.
Coding change: c.202C>G on transcript NM_001005498.4 (MANE Select); coding-DNA position 202, C replaced by G.
Protein change: p.Arg68Gly; replaces arginine 68 with glycine.
Molecular consequence: missense variant. On other transcripts: non-coding transcript variant (3).
Genome position (GRCh38, 1-based): chr17:76,479,803, G>C on the plus strand (C>G on the coding strand, the complement: RHBDF2 is on the minus strand). VCF-style: chr17-76479803-G-C. GRCh37 (hg19) VCF-style: chr17-74475885-G-C.
Other names: c.289C>G, p.Arg97Gly (NM_024599.5); c.202C>G, p.Arg68Gly (NM_001376228.1, NM_001376229.1, NM_001376230.1); short protein forms R68G, R97G.
Identifiers: ClinVar variation 2895046 (VCV002895046.4), dbSNP rs780237997, ClinGen allele CA8787447.